The following is an entry in ClinVar:

NM_017534.6(MYH2):c.2347C>T (p.Arg783Ter)

Genes: MYH2 (myosin heavy chain 2; minus strand), MYHAS (myosin heavy chain gene cluster antisense RNA; plus strand). Cytogenetic location: 17p13.1.
Variant type: single nucleotide variant.
Coding change: c.2347C>T on transcript NM_017534.6 (MANE Select); coding-DNA position 2347, C replaced by T.
Protein change: p.Arg783Ter; replaces arginine 783 with a stop codon.
Molecular consequence: nonsense.
Genome position (GRCh38, 1-based): chr17:10,533,379, G>A on the plus strand (C>T on the coding strand, the complement: MYH2 is on the minus strand). VCF-style: chr17-10533379-G-A. GRCh37 (hg19) VCF-style: chr17-10436696-G-A.
Other names: c.2347C>T, p.Arg783Ter (NM_001100112.2); short protein forms R783*.
Identifiers: ClinVar variation 183662 (VCV000183662.8), dbSNP rs762121316, ClinGen allele CA186120.

ClinVar aggregate classification (germline): Pathogenic. Review status: criteria provided, single submitter (1 of 4 stars). 2 submissions from 2 submitters: Pathogenic (1). 1 of the submissions does not count toward it. Last evaluated 2023-05-13.

Conditions:
Myopathy, proximal, and ophthalmoplegia (CMYO6). Also called: MYOPATHY WITH CONGENITAL JOINT CONTRACTURES, OPHTHALMOPLEGIA, AND RIMMED VACUOLES; INCLUSION BODY MYOPATHY 3, AUTOSOMAL DOMINANT; CONGENITAL MYOPATHY 6 WITH OPHTHALMOPLEGIA. Identifiers: Orphanet 363677, Orphanet 79091, MedGen C1854106, MONDO:0011577, OMIM 605637.

Allele frequency attached by ClinVar (database versions not stated): gnomAD exomes 0.00002; ExAC 0.00003.

Submissions (2):

Labcorp Genetics (formerly Invitae), Labcorp
Classification: Pathogenic for Myopathy, proximal, and ophthalmoplegia. Last evaluated: 2023-05-13. Review status: criteria provided, single submitter. Criteria: Invitae Variant Classification Sherloc (09022015). Collection method: clinical testing. Allele origin: germline.
Comment: This sequence change creates a premature translational stop signal (p.Arg783*) in the MYH2 gene. It is expected to result in an absent or disrupted protein product. Loss-of-function variants in MYH2 are known to be pathogenic (PMID: 20418530, 23388406, 24193343). This variant is present in population databases (rs762121316, gnomAD 0.006%). This premature translational stop signal has been observed in individual(s) with autosomal recessive congenital myopathy (PMID: 20418530). In at least one individual the data is consistent with being in trans (on the opposite chromosome) from a pathogenic variant. For these reasons, this variant has been classified as Pathogenic. ClinVar contains an entry for this variant (Variation ID: 183662).

OMIM
Classification: Pathogenic for CONGENITAL MYOPATHY 6 WITH OPHTHALMOPLEGIA, AUTOSOMAL RECESSIVE. Last evaluated: 2010-05-01. Review status: no assertion criteria provided. Collection method: literature only. Allele origin: germline. Not counted in ClinVar's aggregate classification.

Literature cited by the submitters: PubMed 20418530 (cited by Labcorp Genetics (formerly Invitae), Labcorp and OMIM); PubMed 23388406 (cited by Labcorp Genetics (formerly Invitae), Labcorp); PubMed 24193343 (cited by Labcorp Genetics (formerly Invitae), Labcorp).